The following is an entry in ClinVar:

NM_053025.4(MYLK):c.4066T>C (p.Ser1356Pro)

Gene: MYLK (myosin light chain kinase; minus strand). Cytogenetic location: 3q21.1.
Variant type: single nucleotide variant.
Coding change: c.4066T>C on transcript NM_053025.4 (MANE Select); coding-DNA position 4066, T replaced by C.
Protein change: p.Ser1356Pro; replaces serine 1356 with proline.
Molecular consequence: missense variant.
Genome position (GRCh38, 1-based): chr3:123,657,348, A>G on the plus strand (T>C on the coding strand, the complement: MYLK is on the minus strand). VCF-style: chr3-123657348-A-G. GRCh37 (hg19) VCF-style: chr3-123376195-A-G.
Other names: c.3538T>C, p.Ser1180Pro (NM_001321309.2); c.3859T>C, p.Ser1287Pro (NM_053026.4, NM_053028.4); c.4066T>C, p.Ser1356Pro (NM_053027.4); short protein forms S1180P, S1356P, S1287P.
Identifiers: ClinVar variation 2567238 (VCV002567238.2), dbSNP rs745988154, ClinGen allele CA070903.

ClinVar aggregate classification (germline): Uncertain significance (1 of 4 stars; one submission).

Conditions:
Familial thoracic aortic aneurysm and aortic dissection (TAAD). Also called: Thoracic aortic aneurysms and dissections. Identifiers: Orphanet 91387, MedGen C4707243, MONDO:0019625.

Submission:

Ambry Genetics
Classification: Uncertain significance for Familial thoracic aortic aneurysm and aortic dissection. Last evaluated: 2023-03-18. Review status: criteria provided, single submitter. Criteria: Ambry Variant Classification Scheme 2023. Collection method: clinical testing. Allele origin: germline.
Comment: The p.S1356P variant (also known as c.4066T>C), located in coding exon 21 of the MYLK gene, results from a T to C substitution at nucleotide position 4066. The serine at codon 1356 is replaced by proline, an amino acid with similar properties. This amino acid position is conserved. In addition, the in silico prediction for this alteration is inconclusive. Since supporting evidence is limited at this time, the clinical significance of this alteration remains unclear.